The following is an entry in ClinVar:

NM_005422.4(TECTA):c.1584C>A (p.Asn528Lys)

Genes: TBCEL-TECTA (TBCEL-TECTA readthrough; plus strand), TECTA (tectorin alpha; plus strand). Cytogenetic location: 11q23.3.
Variant type: single nucleotide variant.
Coding change: c.1584C>A on transcript NM_005422.4 (MANE Select); coding-DNA position 1584, C replaced by A.
Protein change: p.Asn528Lys; replaces asparagine 528 with lysine.
Molecular consequence: missense variant.
Genome position (GRCh38, 1-based): chr11:121,125,682, C>A. VCF-style: chr11-121125682-C-A. GRCh37 (hg19) VCF-style: chr11-120996391-C-A.
Other names: c.2541C>A, p.Asn847Lys (NM_001378761.1); short protein forms N528K, N847K.
Identifiers: ClinVar variation 1307288 (VCV001307288.2), dbSNP rs1438791019, ClinGen allele CA383012267.

ClinVar aggregate classification (germline): Uncertain significance (1 of 4 stars; one submission).

Allele frequency attached by ClinVar (database versions not stated): gnomAD 0.00001; gnomAD exomes below 0.00001.
gnomAD v4.1: 5 of 1,610,040 alleles (0.00031%); highest among the groups gnomAD compares: Non-Finnish European, 0.00042%; no homozygotes.

Submission:

GeneDx
Classification: Uncertain significance. Last evaluated: 2019-07-25. Review status: criteria provided, single submitter. Criteria: GeneDx Variant Classification Process June 2021. Collection method: clinical testing. Allele origin: germline. Affected: yes.
Comment: In silico analysis, which includes protein predictors and evolutionary conservation, supports that this variant does not alter protein structure/function; Has not been previously published as pathogenic or benign to our knowledge